The following is an entry in ClinVar:

NM_001282144.2(NLRX1):c.230-92G>A

Gene: NLRX1 (NLR family member X1; plus strand). Cytogenetic location: 11q23.3.
Variant type: single nucleotide variant.
Coding change: c.230-92G>A on transcript NM_001282144.2 (MANE Select); 92 bases into the intron before coding-DNA position 230, G replaced by A.
Molecular consequence: intron variant.
Genome position (GRCh38, 1-based): chr11:119,173,387, G>A. VCF-style: chr11-119173387-G-A. GRCh37 (hg19) VCF-style: chr11-119044096-G-A.
Other names: c.230-92G>A (NM_001282358.2, NM_024618.4, NM_001282143.2).
Identifiers: ClinVar variation 103140 (VCV000103140.2), dbSNP rs199476039, ClinGen allele CA230176.

ClinVar aggregate classification (germline): not provided (0 of 4 stars; one submission).

Allele frequency attached by ClinVar (database versions not stated): gnomAD 0.00001; gnomAD exomes 0.00001.
gnomAD v4.1: 4 of 1,381,462 alleles (0.00029%); highest among the groups gnomAD compares: African/African-American, 0.0014%; no homozygotes.

Submission:

Human Evolutionary Genetics, Institut Pasteur
No classification provided. Review status: no classification provided. Collection method: not provided. Allele origin: germline.
ClinVar note: Converted during submission from untested to not provided.